The following is an entry in ClinVar:

ClinVar aggregate classification (germline): Conflicting classifications of pathogenicity. Review status: criteria provided, conflicting classifications (1 of 4 stars). 2 submissions from 2 submitters: Uncertain significance (1); Likely benign (1). Last evaluated 2023-10-03.

Conditions:
Neurofibromatosis, type 1 (NF1). Also called: Peripheral type neurofibromatosis; NEUROFIBROMATOSIS, TYPE I, SOMATIC; VON RECKLINGHAUSEN DISEASE; Neurofibromatosis, type I. Identifiers: Orphanet 636, MedGen C0027831, MONDO:0018975, OMIM 162200. Disease mechanism: loss of function.
Hereditary cancer-predisposing syndrome. Also called: Hereditary Cancer Syndrome; Tumor predisposition; Neoplastic Syndromes, Hereditary; Hereditary neoplastic syndrome. Identifiers: Orphanet 140162, MedGen C0027672, MeSH D009386, MONDO:0015356.
Cardiovascular phenotype. Identifiers: MedGen CN230736.

Submissions (2):

Ambry Genetics
Classification: Uncertain significance for Cardiovascular phenotype; Hereditary cancer-predisposing syndrome. Last evaluated: 2023-10-03. Review status: criteria provided, single submitter. Criteria: Ambry Variant Classification Scheme 2023. Collection method: clinical testing. Allele origin: germline.
Comment: The c.6601_6602delACinsGT variant, located in coding exon 43 of the NF1 gene, results from an in-frame deletion of AC and insertion of GT at nucleotide positions 6601 to 6602. This results in the substitution of the threonine residue for a valine residue at codon 2201, an amino acid with similar properties. This amino acid position is well conserved in available vertebrate species. In addition, this alteration is predicted to be neutral by in silico analysis (Choi Y et al. PLoS ONE. 2012; 7(10):e46688). Since supporting evidence is limited at this time, the clinical significance of this alteration remains unclear.

Labcorp Genetics (formerly Invitae), Labcorp
Classification: Likely benign for Neurofibromatosis, type 1. Last evaluated: 2023-04-09. Review status: criteria provided, single submitter. Criteria: Invitae Variant Classification Sherloc (09022015). Collection method: clinical testing. Allele origin: germline.

NM_001042492.3(NF1):c.6664_6665inv (p.Thr2222Val)

Gene: NF1 (neurofibromin 1; plus strand). Cytogenetic location: 17q11.2.
Variant type: Inversion.
Coding change: c.6664_6665inv on transcript NM_001042492.3 (MANE Select).
Protein change: p.Thr2222Val; replaces threonine 2222 with valine.
Molecular consequence: missense variant.
Genome position: GRCh38 VCF-style: chr17-31337840-AC-GT. GRCh37 (hg19) VCF-style: chr17-29664858-AC-GT.
Other names: c.6601_6602delACinsGT (NM_000267.3); c.6601_6602invAC, p.Thr2201Val (NM_000267.4); short protein forms T2201V, T2222V.
Identifiers: ClinVar variation 2105817 (VCV002105817.5), ClinGen allele CA2580093440.
Genomic context (GRCh38, chr17:31,337,840, plus strand): 5'-TTTATGTACAATATGTATTCAGAGTATCCCCTTTTTTAGGCATGCATGAGAGATATTCCA[AC>GT]GTGCAAGTGGCTGGACCAGTGGACAGAACTAGCTCAAAGGTATGTCCTAAATTAAATATA-3'
Protein context (NP_001035957.1, residues 2212-2232): IMEACMRDIP[Thr2222Val]CKWLDQWTEL